The following is an entry in ClinVar:

ClinVar aggregate classification (germline): Uncertain significance (1 of 4 stars; one submission).

Conditions:
Lipodystrophy, partial, acquired, susceptibility to (APLD). Also called: APLD, SUSCEPTIBILITY TO. Identifiers: MedGen C3887501, MONDO:0100476, OMIM 608709.
Progressive myoclonic epilepsy type 9. Identifiers: Orphanet 457265, MedGen C4225289, MONDO:0014685, OMIM 616540.

Allele frequency attached by ClinVar (database versions not stated): 1000 Genomes Project 30x 0.00016; 1000 Genomes Project 0.00020; gnomAD 0.00001; gnomAD exomes 0.00002; TOPMed 0.00002; ExAC 0.00004.

Submission:

Labcorp Genetics (formerly Invitae), Labcorp
Classification: Uncertain significance for Progressive myoclonic epilepsy type 9; Lipodystrophy, partial, acquired, susceptibility to. Last evaluated: 2021-04-22. Review status: criteria provided, single submitter. Criteria: Invitae Variant Classification Sherloc (09022015). Collection method: clinical testing. Allele origin: germline.
Comment: In summary, the available evidence is currently insufficient to determine the role of this variant in disease. Therefore, it has been classified as a Variant of Uncertain Significance. Algorithms developed to predict the effect of missense changes on protein structure and function are either unavailable or do not agree on the potential impact of this missense change (SIFT: "Tolerated"; PolyPhen-2: "Probably Damaging"; Align-GVGD: "Class C0"). This variant has not been reported in the literature in individuals with LMNB2-related conditions. This variant is present in population databases (rs555606326, ExAC 0.02%). This sequence change replaces arginine with histidine at codon 430 of the LMNB2 protein (p.Arg430His). The arginine residue is moderately conserved and there is a small physicochemical difference between arginine and histidine.

NM_032737.4(LMNB2):c.1289G>A (p.Arg430His)

Gene: LMNB2 (lamin B2; minus strand). Cytogenetic location: 19p13.3.
Variant type: single nucleotide variant.
Coding change: c.1289G>A on transcript NM_032737.4 (MANE Select); coding-DNA position 1289, G replaced by A.
Protein change: p.Arg430His; replaces arginine 430 with histidine.
Molecular consequence: missense variant.
Genome position (GRCh38, 1-based): chr19:2,434,019, C>T on the plus strand (G>A on the coding strand, the complement: LMNB2 is on the minus strand). VCF-style: chr19-2434019-C-T. GRCh37 (hg19) VCF-style: chr19-2434017-C-T.
Other names: short protein forms R430H.
Identifiers: ClinVar variation 1419462 (VCV001419462.8), dbSNP rs555606326, ClinGen allele CA9067543.